The following is an entry in ClinVar:

ClinVar aggregate classification (germline): Uncertain significance (1 of 4 stars; one submission).

Conditions:
Hypertrophic cardiomyopathy. Also called: HYPERTROPHIC MYOCARDIOPATHY. Identifiers: Orphanet 217569, MedGen C0007194, MeSH D002312, MONDO:0005045, HP:0001639.

Submission:

Labcorp Genetics (formerly Invitae), Labcorp
Classification: Uncertain significance for Hypertrophic cardiomyopathy. Last evaluated: 2016-10-03. Review status: criteria provided, single submitter. Criteria: Invitae Variant Classification Sherloc (09022015). Collection method: clinical testing. Allele origin: germline.
Comment: In summary, this variant is a novel in-frame duplication with uncertain impact on protein function. It has been classified as a Variant of Uncertain Significance. Experimental studies and prediction algorithms are not available for this variant, and the functional significance of the duplicated amino acids is currently unknown. This variant is not present in population databases (ExAC no frequency) and has not been reported in the literature in individuals with a JPH2-related disease. This sequence change inserts 18 nucleotides in exon 4 of the JPH2 mRNA (c.1948_1965dup18). This leads to the insertion of 6 amino acid residues in the JPH2 protein (p.Ala650_Arg655dup) but otherwise preserves the integrity of the reading frame.

NM_020433.5(JPH2):c.1948_1965dup (p.Ala650_Arg655dup)

Gene: JPH2 (junctophilin 2; minus strand). Cytogenetic location: 20q13.12.
Variant type: Duplication.
Coding change: c.1948_1965dup on transcript NM_020433.5 (MANE Select); coding-DNA positions 1948 to 1965, 18 bases duplicated (GCCAAGAAGAAGGCGCGG).
Protein change: p.Ala650_Arg655dup.
Molecular consequence: inframe insertion.
Genome position (GRCh38, 1-based): chr20:44,115,710-44,115,727, CCGCGCCTTCTTCTTGGC duplicated on the plus strand (GCCAAGAAGAAGGCGCGG on the coding strand, the reverse complement: JPH2 is on the minus strand); duplicating any 18 consecutive bases within chr20:44,115,710-44,115,729 gives the same sequence; the c. name uses the placement nearest the transcript's 3' end. VCF-style (leftmost placement, unchanged base first): chr20-44115709-T-TCCGCGCCTTCTTCTTGGC. GRCh37 (hg19) VCF-style: chr20-42744349-T-TCCGCGCCTTCTTCTTGGC.
Other names: c.1948_1965dup18 (NM_020433.4).
Identifiers: ClinVar variation 403852 (VCV000403852.8), dbSNP rs1555853257, ClinGen allele CA16616217.
Genomic context (GRCh38, chr20:44,115,709, plus strand): 5'-TGCCCGACAGCCTCACCTCTTCCACCTCCACCTCCGCCTCTGCCGCCAGTGCGGCCTCCT[T>TCCGCGCCTTCTTCTTGGC]CCGCGCCTTCTTCTTGGCCCCCGCCTTGGTCAGCCCTCGAGCCTCAGTCTTGCGGGCCTT-3'